The following is an entry in ClinVar:

ClinVar aggregate classification (germline): Uncertain significance (1 of 4 stars; one submission).

gnomAD v4.1: 4 of 1,613,876 alleles (0.00025%); highest among the groups gnomAD compares: East Asian, 0.0045%; no homozygotes.

Submission:

Mayo Clinic Laboratories, Mayo Clinic
Classification: Uncertain significance. Last evaluated: 2023-05-11. Review status: criteria provided, single submitter. Criteria: ACMG Guidelines, 2015. Collection method: clinical testing. Allele origin: germline. Observed: 1 variant allele.
Comment: PM1, PM2_supporting

NM_001083116.3(PRF1):c.1283G>C (p.Trp428Ser)

Gene: PRF1 (perforin 1; minus strand). Cytogenetic location: 10q22.1.
Variant type: single nucleotide variant.
Coding change: c.1283G>C on transcript NM_001083116.3 (MANE Select); coding-DNA position 1283, G replaced by C.
Protein change: p.Trp428Ser; replaces tryptophan 428 with serine.
Molecular consequence: missense variant.
Genome position (GRCh38, 1-based): chr10:70,598,438, C>G on the plus strand (G>C on the coding strand, the complement: PRF1 is on the minus strand). VCF-style: chr10-70598438-C-G. GRCh37 (hg19) VCF-style: chr10-72358194-C-G.
Other names: p.Trp428Ser; c.1283G>C, p.Trp428Ser (NM_005041.6); short protein forms W428S.
Identifiers: ClinVar variation 2683110 (VCV002683110.1), dbSNP rs747646127, ClinGen allele CA376956177.